The following is an entry in ClinVar:

NM_000059.4(BRCA2):c.992A>T (p.Lys331Ile)

Gene: BRCA2 (BRCA2 DNA repair associated; plus strand). Cytogenetic location: 13q13.1.
Variant type: single nucleotide variant.
Coding change: c.992A>T on transcript NM_000059.4 (MANE Select); coding-DNA position 992, A replaced by T.
Protein change: p.Lys331Ile; replaces lysine 331 with isoleucine.
Molecular consequence: missense variant.
Genome position (GRCh38, 1-based): chr13:32,332,470, A>T. VCF-style: chr13-32332470-A-T. GRCh37 (hg19) VCF-style: chr13-32906607-A-T.
Other names: short protein forms K331I.
Identifiers: ClinVar variation 52920 (VCV000052920.15), dbSNP rs80359253, ClinGen allele CA026336.

ClinVar aggregate classification (germline): Conflicting classifications of pathogenicity. Review status: criteria provided, conflicting classifications (1 of 4 stars). 6 submissions from 6 submitters: Uncertain significance (3); Likely benign (1). 2 of the submissions do not count toward it. Last evaluated 2025-06-30.

Conditions:
Hereditary breast ovarian cancer syndrome. Also called: Hereditary breast and ovarian cancer syndrome; Hereditary breast and ovarian cancer; Hereditary breast and ovarian cancer syndrome (HBOC); Breast and ovarian cancer; Hereditary breast and/or ovarian cancer syndrome; BRCA1- and BRCA2-Associated Hereditary Breast and Ovarian Cancer. Identifiers: Orphanet 145, MedGen C0677776, MeSH D061325, MONDO:0003582. Disease mechanism: loss of function.
Hereditary cancer-predisposing syndrome. Also called: Neoplastic Syndromes, Hereditary; Tumor predisposition; Hereditary neoplastic syndrome; Hereditary Cancer Syndrome. Identifiers: Orphanet 140162, MedGen C0027672, MeSH D009386, MONDO:0015356.
Breast-ovarian cancer, familial, susceptibility to, 2 (BROVCA2). Also called: BRCA2 Hereditary Breast and Ovarian Cancer. Identifiers: Orphanet 145, MedGen C2675520, MONDO:0012933, OMIM 612555. Disease mechanism: loss of function.

Allele frequency attached by ClinVar (database versions not stated): gnomAD exomes below 0.00001.
gnomAD v4.1: 2 of 1,594,628 alleles (0.00013%); highest among the groups gnomAD compares: Non-Finnish European, 0.000085%; no homozygotes.

Submissions (6):

Ambry Genetics
Classification: Uncertain significance for Hereditary cancer-predisposing syndrome. Last evaluated: 2025-06-30. Review status: criteria provided, single submitter. Criteria: Ambry Variant Classification Scheme 2023. Collection method: clinical testing. Allele origin: germline.
Comment: The p.K331I variant (also known as c.992A>T), located in coding exon 9 of the BRCA2 gene, results from an A to T substitution at nucleotide position 992. The lysine at codon 331 is replaced by isoleucine, an amino acid with dissimilar properties. This alteration was identified in an individual diagnosed with breast cancer (Thomassen M et al. Breast Cancer Res Treat, 2012 Apr;132:1009-23). This amino acid position is not well conserved in available vertebrate species. In addition, this alteration is predicted to be tolerated by in silico analysis. Since supporting evidence is limited at this time, the clinical significance of this alteration remains unclear.

University of Washington Department of Laboratory Medicine, University of Washington
Classification: Likely benign for Hereditary cancer-predisposing syndrome. Last evaluated: 2023-03-23. Review status: criteria provided, single submitter. Criteria: Dines et al. (Genet Med. 2020). Collection method: curation. Allele origin: germline.
Comment: Missense variant in a coldspot region where missense variants are very unlikely to be pathogenic (PMID:31911673).

BRCA2 exon 10 coldspot. Reclassification based on statistical prior probability.

Color Diagnostics, LLC DBA Color Health
Classification: Uncertain significance for Hereditary cancer-predisposing syndrome. Last evaluated: 2022-07-25. Review status: criteria provided, single submitter. Criteria: ACMG Guidelines, 2015. Collection method: clinical testing. Allele origin: germline.
Comment: This missense variant replaces lysine with isoleucine at codon 331 of the BRCA2 protein. Computational prediction suggests that this variant may not impact protein structure and function (internally defined REVEL score threshold <= 0.5, PMID: 27666373). To our knowledge, functional studies have not been reported for this variant. This variant has been reported in a multifactorial analysis with segregation, tumor pathology, co-occurrence and family history likelihood ratios for pathogenicity of 0.5589, 1.07, 1.0666 and 0.8016, respectively (PMID: 31131967). This variant has been identified in 1/231826 chromosomes in the general population by the Genome Aggregation Database (gnomAD). The available evidence is insufficient to determine the role of this variant in disease conclusively. Therefore, this variant is classified as a Variant of Uncertain Significance.

Labcorp Genetics (formerly Invitae), Labcorp
Classification: Uncertain significance for Hereditary breast ovarian cancer syndrome. Last evaluated: 2020-02-19. Review status: criteria provided, single submitter. Criteria: Invitae Variant Classification Sherloc (09022015). Collection method: clinical testing. Allele origin: germline.
Comment: This sequence change replaces lysine with isoleucine at codon 331 of the BRCA2 protein (p.Lys331Ile). The lysine residue is moderately conserved and there is a moderate physicochemical difference between lysine and isoleucine. This variant is not present in population databases (ExAC no frequency) . This variant has been reported in individuals in the Breast Cancer Information Core database and has been reported in an individual affected with breast cancer (PMID: 10923033, 21769658). ClinVar contains an entry for this variant (Variation ID: 52920). Algorithms developed to predict the effect of missense changes on protein structure and function do not agree on the potential impact of this missense change (SIFT: "Tolerated"; PolyPhen-2: "Possibly Damaging"; Align-GVGD: "Class C0"). In summary, this is a rare missense change with uncertain impact on protein function. It has been classified as a Variant of Uncertain Significance.

Department of Medical and Surgical Sciences, University of Bologna
Classification: Likely benign for Breast-ovarian cancer, familial, susceptibility to, 2. Last evaluated: 2023-09-01. Review status: no assertion criteria provided. Collection method: clinical testing. Allele origin: germline. Affected: yes. Not counted in ClinVar's aggregate classification.
Comment: PM2(Supporting)+BP1(Strong) according to ACMG/AMP classification guidelines specified for BRCA1 & BRCA2 (Classification Criteria V1.0.0 2023-09-08) (PMID: 38160042)

Breast Cancer Information Core (BIC) (BRCA2)
Classification: Uncertain significance for Breast-ovarian cancer, familial 2. Last evaluated: 2004-02-20. Review status: no assertion criteria provided. Collection method: clinical testing. Allele origin: germline. Affected: yes. Observed: 3 variant alleles. Not counted in ClinVar's aggregate classification.

Literature cited by the submitters: PubMed 21769658 (cited by Ambry Genetics and Labcorp Genetics (formerly Invitae), Labcorp); PubMed 31131967 (cited by Color Diagnostics, LLC DBA Color Health); PubMed 10923033 (cited by Labcorp Genetics (formerly Invitae), Labcorp).